The following is an entry in ClinVar:

ClinVar aggregate classification (germline): Uncertain significance (1 of 4 stars; one submission).

Allele frequency attached by ClinVar (database versions not stated): ExAC 0.00001; TOPMed 0.00002; 1000 Genomes Project 30x 0.00016; 1000 Genomes Project 0.00020.
gnomAD v4.1: 30 of 1,614,088 alleles (0.0019%); highest among the groups gnomAD compares: East Asian, 0.0045%; no homozygotes.

Submission:

Labcorp Genetics (formerly Invitae), Labcorp
Classification: Uncertain significance. Last evaluated: 2023-03-25. Review status: criteria provided, single submitter. Criteria: Invitae Variant Classification Sherloc (09022015). Collection method: clinical testing. Allele origin: germline.
Comment: This sequence change replaces arginine, which is basic and polar, with glutamine, which is neutral and polar, at codon 2695 of the LAMA1 protein (p.Arg2695Gln). This variant is present in population databases (rs558634642, gnomAD 0.003%). This variant has not been reported in the literature in individuals affected with LAMA1-related conditions. Advanced modeling of protein sequence and biophysical properties (such as structural, functional, and spatial information, amino acid conservation, physicochemical variation, residue mobility, and thermodynamic stability) performed at Invitae indicates that this missense variant is not expected to disrupt LAMA1 protein function. In summary, the available evidence is currently insufficient to determine the role of this variant in disease. Therefore, it has been classified as a Variant of Uncertain Significance.

NM_005559.4(LAMA1):c.8084G>A (p.Arg2695Gln)

Genes: LAMA1 (laminin subunit alpha 1; minus strand), LOC101927188 (uncharacterized LOC101927188; plus strand). Cytogenetic location: 18p11.31.
Variant type: single nucleotide variant.
Coding change: c.8084G>A on transcript NM_005559.4 (MANE Select); coding-DNA position 8084, G replaced by A.
Protein change: p.Arg2695Gln; replaces arginine 2695 with glutamine.
Molecular consequence: missense variant. On other transcripts: non-coding transcript variant (1).
Genome position (GRCh38, 1-based): chr18:6,956,646, C>T on the plus strand (G>A on the coding strand, the complement: LAMA1 is on the minus strand). VCF-style: chr18-6956646-C-T. GRCh37 (hg19) VCF-style: chr18-6956645-C-T.
Other names: short protein forms R2695Q.
Identifiers: ClinVar variation 2897726 (VCV002897726.3), dbSNP rs558634642, ClinGen allele CA8880695.